The following is an entry in ClinVar:

NM_004408.4(DNM1):c.1594G>C (p.Gly532Arg)

Gene: DNM1 (dynamin 1; plus strand). Cytogenetic location: 9q34.11.
Variant type: single nucleotide variant.
Coding change: c.1594G>C on transcript NM_004408.4 (MANE Select); coding-DNA position 1594, G replaced by C.
Protein change: p.Gly532Arg; replaces glycine 532 with arginine.
Molecular consequence: missense variant.
Genome position (GRCh38, 1-based): chr9:128,242,268, G>C. VCF-style: chr9-128242268-G-C. GRCh37 (hg19) VCF-style: chr9-131004547-G-C.
Other names: c.1594G>C, p.Gly532Arg (NM_001005336.3, NM_001288737.2, NM_001288738.2 and 2 more transcripts); c.1594G>C (NM_004408.3); short protein forms G532R.
Identifiers: ClinVar variation 2691312 (VCV002691312.2), dbSNP rs2539074037, ClinGen allele CA375025807.
Genomic context (GRCh38, chr9:128,242,268, plus strand): 5'-ACCTCCTGCCCCATCACCCTCCAGGTCATCCGCAAGGGCTGGCTGACTATCAATAATATT[G>C]GCATCATGAAAGGGGGCTCCAAGGAGTACTGGTTTGTGCTGACTGCTGAGAATCTGTCCT-3'
Protein context (NP_004399.2, residues 522-542): RKGWLTINNI[Gly532Arg]IMKGGSKEYW

ClinVar aggregate classification (germline): Uncertain significance. Review status: criteria provided, multiple submitters, no conflicts (2 of 4 stars). 2 submissions from 2 submitters: Uncertain significance (2). Last evaluated 2025-01-10.

Submissions (2):

GeneDx
Classification: Uncertain significance. Last evaluated: 2025-01-10. Review status: criteria provided, single submitter. Criteria: GeneDx Variant Classification Process June 2021. Collection method: clinical testing. Allele origin: germline. Affected: yes.
Comment: Not observed at significant frequency in large population cohorts (gnomAD); In silico analysis supports that this missense variant has a deleterious effect on protein structure/function; Has not been previously published as pathogenic or benign to our knowledge

Women's Health and Genetics/Laboratory Corporation of America, LabCorp
Classification: Uncertain significance. Last evaluated: 2023-12-18. Review status: criteria provided, single submitter. Criteria: LabCorp Variant Classification Summary - May 2015. Collection method: clinical testing. Allele origin: germline.
Comment: Variant summary: DNM1 c.1594G>C (p.Gly532Arg) results in a non-conservative amino acid change located in the Pleckstrin homology domain (IPR001849) of the encoded protein sequence. Five of five in-silico tools predict a damaging effect of the variant on protein function. The variant was absent in 251280 control chromosomes (gnomAD). The available data on variant occurrences in the general population are insufficient to allow any conclusion about variant significance. To our knowledge, no occurrence of c.1594G>C in individuals affected with Developmental And Epileptic Encephalopathy, 31 and no experimental evidence demonstrating its impact on protein function have been reported. No submitters have cited clinical-significance assessments for this variant to ClinVar after 2014. Based on the evidence outlined above, the variant was classified as uncertain significance.